The following is an entry in ClinVar:

NM_005518.4(HMGCS2):c.364G>A (p.Asp122Asn)

Gene: HMGCS2 (3-hydroxy-3-methylglutaryl-CoA synthase 2; minus strand). Cytogenetic location: 1p12.
Variant type: single nucleotide variant.
Coding change: c.364G>A on transcript NM_005518.4 (MANE Select); coding-DNA position 364, G replaced by A.
Protein change: p.Asp122Asn; replaces aspartic acid 122 with asparagine.
Molecular consequence: missense variant.
Genome position (GRCh38, 1-based): chr1:119,764,367, C>T on the plus strand (G>A on the coding strand, the complement: HMGCS2 is on the minus strand). VCF-style: chr1-119764367-C-T. GRCh37 (hg19) VCF-style: chr1-120306990-C-T.
Other names: p.D122N:GAC>AAC; c.364G>A, p.Asp122Asn (NM_001166107.1); short protein forms D122N.
Identifiers: ClinVar variation 203780 (VCV000203780.11), dbSNP rs368014391, ClinGen allele CA312646.
Genomic context (GRCh38, chr1:119,764,367, plus strand): 5'-TGACAGCTTTGGACTTGTCAATGATGGTCTCAGTGCCTACTTCCAGCCTGCCCACAGAGT[C>T]CCATGGGAGCTGTATGCGCTCCATCAGCCGTTGCACCACCGTCAGGCACAGGGAGTTGAT-3'
Protein context (NP_005509.1, residues 112-132): RLMERIQLPW[Asp122Asn]SVGRLEVGTE

ClinVar aggregate classification (germline): Uncertain significance. Review status: criteria provided, multiple submitters, no conflicts (2 of 4 stars). 3 submissions from 3 submitters: Uncertain significance (3). Last evaluated 2025-12-24.

Conditions:
3-hydroxy-3-methylglutaryl-CoA synthase deficiency (HMGCS2D). Also called: HMGCS2 DEFICIENCY; HMG-CoA synthase-2 deficiency; MITOCHONDRIAL HMG-CoA SYNTHASE DEFICIENCY. Identifiers: Orphanet 35701, MedGen C2751532, MONDO:0011614, OMIM 605911.

Allele frequency attached by ClinVar (database versions not stated): ExAC 0.00004; gnomAD exomes 0.00004 and 0.00005; gnomAD 0.00006 and 0.00007; TOPMed 0.00007; ESP Exome Variant Server 0.00008.
gnomAD v4.1: 80 of 1,614,144 alleles (0.005%); highest among the groups gnomAD compares: Middle Eastern, 0.049%; no homozygotes.

Submissions (3):

Labcorp Genetics (formerly Invitae), Labcorp
Classification: Uncertain significance for 3-hydroxy-3-methylglutaryl-CoA synthase deficiency. Last evaluated: 2025-12-24. Review status: criteria provided, single submitter. Criteria: Invitae Variant Classification Sherloc (09022015). Collection method: clinical testing. Allele origin: germline.
Comment: This sequence change replaces aspartic acid, which is acidic and polar, with asparagine, which is neutral and polar, at codon 122 of the HMGCS2 protein (p.Asp122Asn). This variant is present in population databases (rs368014391, gnomAD 0.007%). This variant has not been reported in the literature in individuals affected with HMGCS2-related conditions. ClinVar contains an entry for this variant (Variation ID: 203780). Invitae Evidence Modeling of protein sequence and biophysical properties (such as structural, functional, and spatial information, amino acid conservation, physicochemical variation, residue mobility, and thermodynamic stability) indicates that this missense variant is not expected to disrupt HMGCS2 protein function with a negative predictive value of 80%. In summary, the available evidence is currently insufficient to determine the role of this variant in disease. Therefore, it has been classified as a Variant of Uncertain Significance.

Illumina Laboratory Services, Illumina
Classification: Uncertain significance for 3-hydroxy-3-methylglutaryl-CoA synthase deficiency. Last evaluated: 2018-02-16. Review status: criteria provided, single submitter. Criteria: ICSL Variant Classification Criteria 13 December 2019. Collection method: clinical testing. Allele origin: germline.

GeneDx
Classification: Uncertain significance. Last evaluated: 2014-07-17. Review status: criteria provided, single submitter. Criteria: GeneDx Variant Classification (06012015). Collection method: clinical testing. Allele origin: germline. Affected: yes.
Comment: p.Asp122Asn (GAC>AAC): c.364 G>A in exon 2 of the HMGCS2 gene (NM_005518.3). The D122N variant has not been published as a mutation, nor has it been reported as a benign polymorphism to our knowledge. The D122N variant is a semi-conservative amino acid substitution, which may impact secondary protein structure as these residues differ in some properties. This substitution occurs at a position where amino acids with similar properties as Aspartic Acid are conserved across species. In silico analysis predicts this variant likely does not alter the protein structure/function. Therefore, based on the currently available information, it is unclear whether this variant is a pathogenic mutation or a rare benign variant. The variant is found in FAO-MET panel(s).